The following is an entry in ClinVar:

NM_001267550.2(TTN):c.84681T>A (p.Tyr28227Ter)

Genes: TTN (titin; minus strand), TTN-AS1 (TTN antisense RNA 1; plus strand). Cytogenetic location: 2q31.2.
Variant type: single nucleotide variant.
Coding change: c.84681T>A on transcript NM_001267550.2 (MANE Select); coding-DNA position 84681, T replaced by A.
Protein change: p.Tyr28227Ter; replaces tyrosine 28227 with a stop codon.
Molecular consequence: nonsense.
Genome position (GRCh38, 1-based): chr2:178,561,451, A>T on the plus strand (T>A on the coding strand, the complement: TTN is on the minus strand). VCF-style: chr2-178561451-A-T. GRCh37 (hg19) VCF-style: chr2-179426178-A-T.
Other names: c.79758T>A, p.Tyr26586Ter (NM_001256850.1); c.57486T>A, p.Tyr19162Ter (NM_003319.4); c.76977T>A, p.Tyr25659Ter (NM_133378.4); c.57861T>A, p.Tyr19287Ter (NM_133432.3); c.58062T>A, p.Tyr19354Ter (NM_133437.4); short protein forms Y19162*, Y19287*, Y19354*, Y25659*, Y26586*, Y28227*.
Identifiers: ClinVar variation 4796600 (VCV004796600.2).

ClinVar aggregate classification (germline): Likely pathogenic (1 of 4 stars; one submission).

Conditions:
Dilated cardiomyopathy 1G (CMD1G). Identifiers: Orphanet 154, MedGen C1858763, MONDO:0011400, OMIM 604145.

Submission:

Juno Genomics, Hangzhou Juno Genomics, Inc
Classification: Likely pathogenic for Dilated cardiomyopathy 1G. Review status: criteria provided, single submitter. Criteria: ACMG Guidelines, 2015. Collection method: clinical testing. Allele origin: germline.
Comment: Absent from controls (or at extremely low frequency if recessive) in Genome Aggregation Database.;Null variant in a gene where loss of function (LOF) is a known mechanism of disease.